The following is an entry in ClinVar:

ClinVar aggregate classification (germline): Likely benign (1 of 4 stars; one submission).

Conditions:
DSP-related disorder. Also called: DSP-related condition; DSP-related disorders.

gnomAD v4.1: 472 of 1,608,574 alleles (0.029%); highest among the groups gnomAD compares: South Asian, 0.47%; 8 homozygotes.

Submission:

PreventionGenetics, part of Exact Sciences
Classification: Likely benign for DSP-related condition. Last evaluated: 2025-10-23. Review status: criteria provided, single submitter. Criteria: ACMG Guidelines, 2015. Collection method: clinical testing. Allele origin: germline.
Comment: This variant is classified as likely benign based on ACMG/AMP sequence variant interpretation guidelines (Richards et al. 2015 PMID: 25741868, with internal and published modifications).

NM_004415.4(DSP):c.422+24G>A

Gene: DSP (desmoplakin; plus strand). Cytogenetic location: 6p24.3.
Variant type: single nucleotide variant.
Coding change: c.422+24G>A on transcript NM_004415.4 (MANE Select); 24 bases into the intron after coding-DNA position 422, G replaced by A.
Molecular consequence: intron variant.
Genome position (GRCh38, 1-based): chr6:7,558,288, G>A. VCF-style: chr6-7558288-G-A. GRCh37 (hg19) VCF-style: chr6-7558521-G-A.
Other names: c.422+24G>A (NM_001319034.2, NM_001008844.3, NM_004415.3).
Identifiers: ClinVar variation 4981711 (VCV004981711.1), dbSNP rs532263757.